The following is an entry in ClinVar:

ClinVar aggregate classification (germline): Uncertain significance. Review status: criteria provided, multiple submitters, no conflicts (2 of 4 stars). 3 submissions from 3 submitters: Uncertain significance (3). Last evaluated 2025-01-23.

Conditions:
Specific granule deficiency. Identifiers: Orphanet 169142, MedGen C0398593, MONDO:0009506.
Inborn genetic diseases. Identifiers: MedGen C0950123, MeSH D030342.

Allele frequency attached by ClinVar (database versions not stated): gnomAD exomes 0.00002 and 0.00004; ExAC 0.00003; TOPMed 0.00004; gnomAD 0.00005.

Submissions (3):

Ambry Genetics
Classification: Uncertain significance for Inborn genetic diseases. Last evaluated: 2025-01-23. Review status: criteria provided, single submitter. Criteria: Ambry Variant Classification Scheme 2023. Collection method: clinical testing. Allele origin: germline.

Labcorp Genetics (formerly Invitae), Labcorp
Classification: Uncertain significance for Specific granule deficiency. Last evaluated: 2021-08-27. Review status: criteria provided, single submitter. Criteria: Invitae Variant Classification Sherloc (09022015). Collection method: clinical testing. Allele origin: germline.
Comment: This sequence change replaces glycine with glutamic acid at codon 103 of the CEBPE protein (p.Gly103Glu). The glycine residue is highly conserved and there is a moderate physicochemical difference between glycine and glutamic acid. This variant is present in population databases (rs768417509, ExAC 0.006%). This variant has not been reported in the literature in individuals affected with CEBPE-related conditions. Algorithms developed to predict the effect of missense changes on protein structure and function are either unavailable or do not agree on the potential impact of this missense change (SIFT: "Deleterious"; PolyPhen-2: "Benign"; Align-GVGD: "Class C65"). In summary, the available evidence is currently insufficient to determine the role of this variant in disease. Therefore, it has been classified as a Variant of Uncertain Significance.

Blueprint Genetics
Classification: Uncertain significance. Last evaluated: 2018-12-12. Review status: criteria provided, single submitter. Criteria: ACMG Guidelines, 2015. Collection method: clinical testing. Allele origin: germline.

NM_001805.4(CEBPE):c.308G>A (p.Gly103Glu)

Gene: CEBPE (CCAAT enhancer binding protein epsilon; minus strand). Cytogenetic location: 14q11.2.
Variant type: single nucleotide variant.
Coding change: c.308G>A on transcript NM_001805.4 (MANE Select); coding-DNA position 308, G replaced by A.
Protein change: p.Gly103Glu; replaces glycine 103 with glutamic acid.
Molecular consequence: missense variant.
Genome position (GRCh38, 1-based): chr14:23,118,784, C>T on the plus strand (G>A on the coding strand, the complement: CEBPE is on the minus strand). VCF-style: chr14-23118784-C-T. GRCh37 (hg19) VCF-style: chr14-23587993-C-T.
Other names: c.308G>A (NM_001805.2); short protein forms G103E.
Identifiers: ClinVar variation 1055685 (VCV001055685.8), dbSNP rs768417509, ClinGen allele CA7111240.